The following is an entry in ClinVar:

NM_004006.3(DMD):c.2494A>G (p.Ile832Val)

Gene: DMD (dystrophin; minus strand). Cytogenetic location: Xp21.1.
Variant type: single nucleotide variant.
Coding change: c.2494A>G on transcript NM_004006.3 (MANE Select); coding-DNA position 2494, A replaced by G.
Protein change: p.Ile832Val; replaces isoleucine 832 with valine.
Molecular consequence: missense variant.
Genome position (GRCh38, 1-based): chrX:32,491,405, T>C on the plus strand (A>G on the coding strand, the complement: DMD is on the minus strand). VCF-style: chrX-32491405-T-C. GRCh37 (hg19) VCF-style: chrX-32509522-T-C.
Other names: c.2470A>G, p.Ile824Val (NM_000109.4); c.2482A>G, p.Ile828Val (NM_004009.3); c.2125A>G, p.Ile709Val (NM_004010.3); short protein forms I828V, I832V, I709V, I824V.
Identifiers: ClinVar variation 1792114 (VCV001792114.5), dbSNP rs370656879, ClinGen allele CA10379511.

ClinVar aggregate classification (germline): Uncertain significance. Review status: criteria provided, multiple submitters, no conflicts (2 of 4 stars). 2 submissions from 2 submitters: Uncertain significance (2). Last evaluated 2023-10-18.

Conditions:
Duchenne muscular dystrophy (DMD). Also called: MUSCULAR DYSTROPHY, PSEUDOHYPERTROPHIC PROGRESSIVE, DUCHENNE TYPE; Duchenne Muscular Dystrophy (DMD). Identifiers: Orphanet 98896, MedGen C0013264, MONDO:0010679, OMIM 310200.
Cardiovascular phenotype. Identifiers: MedGen CN230736.

Allele frequency attached by ClinVar (database versions not stated): gnomAD exomes below 0.00001; ExAC 0.00001; gnomAD 0.00001; TOPMed 0.00001; ESP Exome Variant Server 0.00009.
gnomAD v4.1: 2 of 1,210,213 alleles (0.00017%); highest among the groups gnomAD compares: African/African-American, 0.0035%; no homozygotes.

Submissions (2):

Labcorp Genetics (formerly Invitae), Labcorp
Classification: Uncertain significance for Duchenne muscular dystrophy. Last evaluated: 2023-10-18. Review status: criteria provided, single submitter. Criteria: Invitae Variant Classification Sherloc (09022015). Collection method: clinical testing. Allele origin: germline.
Comment: This sequence change replaces isoleucine, which is neutral and non-polar, with valine, which is neutral and non-polar, at codon 832 of the DMD protein (p.Ile832Val). This variant is present in population databases (rs370656879, gnomAD 0.008%). This variant has not been reported in the literature in individuals affected with DMD-related conditions. ClinVar contains an entry for this variant (Variation ID: 1792114). Advanced modeling of protein sequence and biophysical properties (such as structural, functional, and spatial information, amino acid conservation, physicochemical variation, residue mobility, and thermodynamic stability) performed at Invitae indicates that this missense variant is not expected to disrupt DMD protein function. In summary, the available evidence is currently insufficient to determine the role of this variant in disease. Therefore, it has been classified as a Variant of Uncertain Significance.

Ambry Genetics
Classification: Uncertain significance for Cardiovascular phenotype. Last evaluated: 2020-12-24. Review status: criteria provided, single submitter. Criteria: Ambry Variant Classification Scheme 2023. Collection method: clinical testing. Allele origin: germline.
Comment: The p.I832V variant (also known as c.2494A>G), located in coding exon 20 of the DMD gene, results from an A to G substitution at nucleotide position 2494. The isoleucine at codon 832 is replaced by valine, an amino acid with highly similar properties. Based on data from gnomAD, the G allele has an overall frequency of 0.0005% (1/183448) total alleles studied, with 0 hemizygotes observed. The highest observed frequency was 0.0076% (1/13156) of African alleles. This amino acid position is highly conserved in available vertebrate species. In addition, this alteration is predicted to be tolerated by in silico analysis. Since supporting evidence is limited at this time, the clinical significance of this alteration remains unclear.